The following is an entry in ClinVar:

ClinVar aggregate classification (germline): Benign/Likely benign. Review status: criteria provided, multiple submitters, no conflicts (2 of 4 stars). 9 submissions from 9 submitters: Benign (5); Likely benign (3). 1 of the submissions does not count toward it. Last evaluated 2026-02-04.

Conditions:
Argininosuccinate lyase deficiency. Also called: Argininosuccinic aciduria; ARGININOSUCCINIC ACID LYASE DEFICIENCY; ASL DEFICIENCY. Identifiers: Orphanet 23, MedGen C0268547, MONDO:0008815, OMIM 207900, HP:0025630.

Allele frequency attached by ClinVar (database versions not stated): gnomAD 0.00347; ESP Exome Variant Server 0.00361; TOPMed 0.00393; 1000 Genomes Project 0.00539.
gnomAD v4.1: 1,421 of 1,599,348 alleles (0.089%); highest among the groups gnomAD compares: African/African-American, 1.3%; 14 homozygotes.

Submissions (9):

Labcorp Genetics (formerly Invitae), Labcorp
Classification: Benign for Argininosuccinate lyase deficiency. Last evaluated: 2026-02-04. Review status: criteria provided, single submitter. Criteria: Invitae Variant Classification Sherloc (09022015). Collection method: clinical testing. Allele origin: germline.

Blueprint Genetics
Classification: Likely benign. Last evaluated: 2024-11-21. Review status: criteria provided, single submitter. Criteria: ACMG Guidelines, 2015. Collection method: clinical testing. Allele origin: germline.

CeGaT Center for Human Genetics Tuebingen
Classification: Benign. Last evaluated: 2022-07-01. Review status: criteria provided, single submitter. Criteria: CeGaT Center For Human Genetics Tuebingen Variant Classification Criteria Version 2. Collection method: clinical testing. Allele origin: germline. Affected: yes. Observed: 1 variant allele.
Comment: ASL: BP4, BP7, BS1, BS2

Women's Health and Genetics/Laboratory Corporation of America, LabCorp
Classification: Benign. Last evaluated: 2018-06-25. Review status: criteria provided, single submitter. Criteria: LabCorp Variant Classification Summary - May 2015. Collection method: clinical testing. Allele origin: germline.
Comment: Variant summary: ASL c.556C>A alters a non-conserved nucleotide resulting in a synonymous change. 5/5 computational tools predict no significant impact on normal splicing. However, these predictions have yet to be confirmed by functional studies. The variant allele was found at a frequency of 0.0014 in 247432 control chromosomes, predominantly at a frequency of 0.012 within the African subpopulation in the gnomAD database, including 3 homozygotes. The observed variant frequency within African control individuals in the gnomAD database is approximately 3-folds higher than the estimated maximal expected allele frequency for a pathogenic variant in ASL causing Argininosuccinic Aciduria phenotype (0.0042), strongly suggesting that the variant is a benign polymorphism found primarily in populations of African origin. To our knowledge, no occurrence of c.556C>A in individuals affected with Argininosuccinic Aciduria and no experimental evidence demonstrating its impact on protein function have been reported. Three ClinVar submissions from clinical diagnostic laboratories (evaluation after 2014) cites the variant as "likely benign/benign." Based on the evidence outlined above, the variant was classified as benign.

Center for Pediatric Genomic Medicine, Children's Mercy Hospital and Clinics
Classification: Likely benign. Last evaluated: 2017-01-24. Review status: criteria provided, single submitter. Criteria: ACMG Guidelines, 2015. Collection method: clinical testing. Allele origin: germline.
ClinVar note: Converted during submission from Likely Benign to Likely benign.

Eurofins Ntd Llc (ga)
Classification: Benign. Last evaluated: 2015-11-06. Review status: criteria provided, single submitter. Criteria: EGL Classification Definitions 2015. Collection method: clinical testing. Allele origin: germline. Observed: 1 variant allele, 1 heterozygote.

GeneDx
Classification: Benign. Last evaluated: 2014-04-04. Review status: criteria provided, single submitter. Criteria: GeneDx Variant Classification (06012015). Collection method: clinical testing. Allele origin: germline. Affected: yes.
Comment: This variant is considered likely benign or benign based on one or more of the following criteria: it is a conservative change, it occurs at a poorly conserved position in the protein, it is predicted to be benign by multiple in silico algorithms, and/or has population frequency not consistent with disease.

Breakthrough Genomics
Classification: Likely benign. Review status: criteria provided, single submitter. Criteria: ACMG Guidelines, 2015. Collection method: not provided. Allele origin: germline. Inheritance: Autosomal recessive inheritance. Affected: yes.

Natera, Inc.
Classification: Benign for Argininosuccinate lyase deficiency. Last evaluated: 2019-12-09. Review status: no assertion criteria provided. Collection method: clinical testing. Allele origin: germline. Not counted in ClinVar's aggregate classification.

NM_000048.4(ASL):c.556C>A (p.Arg186=)

Gene: ASL (argininosuccinate lyase; plus strand). Cytogenetic location: 7q11.21.
Variant type: single nucleotide variant.
Coding change: c.556C>A on transcript NM_000048.4 (MANE Select); coding-DNA position 556, C replaced by A.
Protein change: p.Arg186=; no amino-acid change (arginine 186 retained).
Molecular consequence: synonymous variant. On other transcripts: intron variant (1).
Genome position (GRCh38, 1-based): chr7:66,086,775, C>A. VCF-style: chr7-66086775-C-A. GRCh37 (hg19) VCF-style: chr7-65551762-C-A.
Other names: p.R186R:CGG>AGG; c.556C>A, p.Arg186= (NM_001024943.2, NM_001024944.2); c.524+113C>A (NM_001024946.2).
Identifiers: ClinVar variation 136422 (VCV000136422.46), dbSNP rs111407265, ClinGen allele CA289513.